The following is an entry in ClinVar:

NM_006493.4(CLN5):c.838_841del (p.Gly280fs)

Gene: CLN5 (CLN5 lysosomal BMP synthase; plus strand). Cytogenetic location: 13q22.3.
Variant type: Deletion.
Coding change: c.838_841del on transcript NM_006493.4 (MANE Select); coding-DNA positions 838 to 841, 4 bases deleted (GGAA; older notation c.838_841delGGAA).
Protein change: p.Gly280fs; shifts the reading frame from glycine 280.
Molecular consequence: frameshift variant. On other transcripts: 3 prime UTR variant (1).
Genome position (GRCh38, 1-based): chr13:77,000,730-77,000,733, GGAA deleted; deleting any 4 consecutive bases within chr13:77,000,729-77,000,733 gives the same sequence; the c. name uses the placement nearest the transcript's 3' end. VCF-style (leftmost placement, unchanged base first): chr13-77000728-CAGGA-C. GRCh37 (hg19) VCF-style: chr13-77574863-CAGGA-C.
Other names: c.985_988del (LRG_692t1); c.*287_*290del (NM_001366624.2); short protein forms G280fs.
Identifiers: ClinVar variation 555601 (VCV000555601.9), dbSNP rs1555274365, ClinGen allele CA658823729.

ClinVar aggregate classification (germline): Pathogenic. Review status: criteria provided, single submitter (1 of 4 stars). 2 submissions from 2 submitters: Pathogenic (1). 1 of the submissions does not count toward it. Last evaluated 2020-12-02.

Conditions:
Neuronal ceroid lipofuscinosis 5 (CLN5). Also called: CLN5-Related Neuronal Ceroid-Lipofuscinosis; CEROID LIPOFUSCINOSIS, NEURONAL, 5, VARIABLE AGE AT ONSET; Neuronal ceroid lipofuscinosis Finnish variant; NEURONAL CEROID LIPOFUSCINOSIS, LATE INFANTILE, FINNISH VARIANT. Identifiers: Orphanet 168491, Orphanet 228360, MedGen C1850442, MONDO:0009745, OMIM 256731.
Neuronal ceroid lipofuscinosis. Also called: Neuronal Ceroid Lipofuscinoses. Identifiers: Orphanet 216, Orphanet 79263, MedGen C0027877, MONDO:0016295. Disease mechanism: loss of function.

Submissions (2):

Labcorp Genetics (formerly Invitae), Labcorp
Classification: Pathogenic for Neuronal ceroid lipofuscinosis. Last evaluated: 2020-12-02. Review status: criteria provided, single submitter. Criteria: Invitae Variant Classification Sherloc (09022015). Collection method: clinical testing. Allele origin: germline.
Comment: For these reasons, this variant has been classified as Pathogenic. This variant disrupts the C-terminus of the CLN5 protein. Other variant(s) that disrupt this region (p.Tyr392*) have been determined to be pathogenic (PMID: 9662406, 20052765, 11971870, 24058541, 24038957, 12134079, 24038957). This suggests that variants that disrupt this region of the protein are likely to be causative of disease. This variant has not been reported in the literature in individuals with CLN5-related conditions. ClinVar contains an entry for this variant (Variation ID: 555601). This variant is not present in population databases (ExAC no frequency). This sequence change creates a premature translational stop signal (p.Gly329Thrfs*6) in the CLN5 gene. While this is not anticipated to result in nonsense mediated decay, it is expected to disrupt the last 79 amino acid(s) of the CLN5 protein.

Counsyl
Classification: Likely pathogenic for Neuronal ceroid lipofuscinosis 5. Last evaluated: 2017-12-14. Review status: no assertion criteria provided. Collection method: clinical testing. Allele origin: unknown. Not counted in ClinVar's aggregate classification.

Literature cited by the submitters: PubMed 9662406 (cited by Labcorp Genetics (formerly Invitae), Labcorp); PubMed 20052765 (cited by Labcorp Genetics (formerly Invitae), Labcorp); PubMed 11971870 (cited by Labcorp Genetics (formerly Invitae), Labcorp); PubMed 24058541 (cited by Labcorp Genetics (formerly Invitae), Labcorp); PubMed 24038957 (cited by Labcorp Genetics (formerly Invitae), Labcorp); PubMed 12134079 (cited by Labcorp Genetics (formerly Invitae), Labcorp).